The following is an entry in ClinVar:

NM_001371623.1(TCOF1):c.1468G>A (p.Ala490Thr)

Gene: TCOF1 (treacle ribosome biogenesis factor 1; plus strand). Cytogenetic location: 5q32.
Variant type: single nucleotide variant.
Coding change: c.1468G>A on transcript NM_001371623.1 (MANE Select); coding-DNA position 1468, G replaced by A.
Protein change: p.Ala490Thr; replaces alanine 490 with threonine.
Molecular consequence: missense variant.
Genome position (GRCh38, 1-based): chr5:150,375,143, G>A. VCF-style: chr5-150375143-G-A. GRCh37 (hg19) VCF-style: chr5-149754706-G-A.
Other names: c.1237G>A, p.Ala413Thr (NM_000356.4, NM_001135245.2); c.1468G>A, p.Ala490Thr (NM_001008657.3, NM_001135243.2, NM_001135244.2 and 1 more transcripts); short protein forms A413T, A490T.
Identifiers: ClinVar variation 3029965 (VCV003029965.3), dbSNP rs970533234, ClinGen allele CA129134717.

ClinVar aggregate classification (germline): Uncertain significance (1 of 4 stars; one submission).

Conditions:
TCOF1-related disorder. Also called: TCOF1-related condition.

Allele frequency attached by ClinVar (database versions not stated): gnomAD 0.00002; TOPMed 0.00003.
gnomAD v4.1: 16 of 1,613,470 alleles (0.00099%); highest among the groups gnomAD compares: African/African-American, 0.013%; no homozygotes.

Submission:

PreventionGenetics, part of Exact Sciences
Classification: Uncertain significance for TCOF1-related condition. Last evaluated: 2026-02-12. Review status: criteria provided, single submitter. Criteria: ACMG Guidelines, 2015. Collection method: clinical testing. Allele origin: germline.
Comment: The TCOF1 c.1468G>A variant is predicted to result in the amino acid substitution p.Ala490Thr. To our knowledge, this variant has not been reported in the literature. This variant is reported in 0.0084% of alleles in individuals of African descent in gnomAD. At this time, the clinical significance of this variant is uncertain due to the absence of conclusive functional and genetic evidence.